The following is an entry in ClinVar:

ClinVar aggregate classification (germline): Uncertain significance (1 of 4 stars; one submission).

Conditions:
Combined immunodeficiency due to LRBA deficiency. Also called: Common variable immunodeficiency 8, with autoimmunity. Identifiers: Orphanet 445018, MedGen C3553512, MONDO:0013863, OMIM 614700.

Allele frequency attached by ClinVar (database versions not stated): gnomAD exomes 0.00001; TOPMed 0.00001; ExAC 0.00002; ESP Exome Variant Server 0.00008.
gnomAD v4.1: 9 of 1,611,618 alleles (0.00056%); highest among the groups gnomAD compares: Non-Finnish European, 0.00076%; no homozygotes.

Submission:

Labcorp Genetics (formerly Invitae), Labcorp
Classification: Uncertain significance for Combined immunodeficiency due to LRBA deficiency. Last evaluated: 2021-07-22. Review status: criteria provided, single submitter. Criteria: Invitae Variant Classification Sherloc (09022015). Collection method: clinical testing. Allele origin: germline.
Comment: This sequence change replaces glycine with arginine at codon 1765 of the LRBA protein (p.Gly1765Arg). The glycine residue is weakly conserved and there is a moderate physicochemical difference between glycine and arginine. In summary, the available evidence is currently insufficient to determine the role of this variant in disease. Therefore, it has been classified as a Variant of Uncertain Significance. Algorithms developed to predict the effect of missense changes on protein structure and function output the following: SIFT: "Tolerated"; PolyPhen-2: "Benign"; Align-GVGD: "Class C0". The arginine amino acid residue is found in multiple mammalian species, suggesting that this missense change does not adversely affect protein function. These predictions have not been confirmed by published functional studies and their clinical significance is uncertain. This variant has not been reported in the literature in individuals with LRBA-related conditions. This variant is present in population databases (rs368450966, ExAC 0.003%).

NM_001364905.1(LRBA):c.5293G>A (p.Gly1765Arg)

Gene: LRBA (LPS responsive beige-like anchor protein; minus strand). Cytogenetic location: 4q31.3.
Variant type: single nucleotide variant.
Coding change: c.5293G>A on transcript NM_001364905.1 (MANE Select); coding-DNA position 5293, G replaced by A.
Protein change: p.Gly1765Arg; replaces glycine 1765 with arginine.
Molecular consequence: missense variant.
Genome position (GRCh38, 1-based): chr4:150,817,136, C>T on the plus strand (G>A on the coding strand, the complement: LRBA is on the minus strand). VCF-style: chr4-150817136-C-T. GRCh37 (hg19) VCF-style: chr4-151738288-C-T.
Other names: c.5293G>A, p.Gly1765Arg (NM_001199282.3, NM_001367550.1, NM_006726.5); short protein forms G1765R.
Identifiers: ClinVar variation 937568 (VCV000937568.11), dbSNP rs368450966, ClinGen allele CA3102538.